The following is an entry in ClinVar:

ClinVar aggregate classification (germline): Uncertain significance (1 of 4 stars; one submission).

gnomAD v4.1: 2 of 1,588,766 alleles (0.00013%); highest among the groups gnomAD compares: African/African-American, 0.0013%; no homozygotes.

Submission:

Labcorp Genetics (formerly Invitae), Labcorp
Classification: Uncertain significance. Last evaluated: 2026-01-07. Review status: criteria provided, single submitter. Criteria: Invitae Variant Classification Sherloc (09022015). Collection method: clinical testing. Allele origin: germline.
Comment: This sequence change replaces lysine, which is basic and polar, with glutamic acid, which is acidic and polar, at codon 2 of the KIF23 protein (p.Lys2Glu). This variant is present in population databases (no rsID available, gnomAD 0.01%). This variant has not been reported in the literature in individuals affected with KIF23-related conditions. An algorithm developed to predict the effect of missense changes on protein structure and function outputs the following: PolyPhen-2: "Benign". The glutamic acid amino acid residue is found in multiple mammalian species, which suggests that this missense change does not adversely affect protein function. In summary, the available evidence is currently insufficient to determine the role of this variant in disease. Therefore, it has been classified as a Variant of Uncertain Significance.

NM_001367805.3(KIF23):c.4A>G (p.Lys2Glu)

Genes: KIF23 (kinesin family member 23; plus strand), KIF23-AS1 (KIF23 and PAQR5 antisense RNA 1; minus strand). Cytogenetic location: 15q23.
Variant type: single nucleotide variant.
Coding change: c.4A>G on transcript NM_001367805.3 (MANE Select); coding-DNA position 4, A replaced by G.
Protein change: p.Lys2Glu; replaces lysine 2 with glutamic acid.
Molecular consequence: missense variant. On other transcripts: non-coding transcript variant (5), 5 prime UTR variant (1).
Genome position (GRCh38, 1-based): chr15:69,414,469, A>G. VCF-style: chr15-69414469-A-G. GRCh37 (hg19) VCF-style: chr15-69706808-A-G.
Other names: c.-190A>G (NM_001281301.2); c.4A>G, p.Lys2Glu (NM_001367804.2, NM_004856.7, NM_138555.4); short protein forms K2E.
Identifiers: ClinVar variation 4798323 (VCV004798323.1).